The following is an entry in ClinVar:

NM_001111125.3(IQSEC2):c.2908C>T (p.Arg970Cys)

Gene: IQSEC2 (IQ motif and Sec7 domain ArfGEF 2; minus strand). Cytogenetic location: Xp11.22.
Variant type: single nucleotide variant.
Coding change: c.2908C>T on transcript NM_001111125.3 (MANE Select); coding-DNA position 2908, C replaced by T.
Protein change: p.Arg970Cys; replaces arginine 970 with cysteine.
Molecular consequence: missense variant.
Genome position (GRCh38, 1-based): chrX:53,241,891, G>A on the plus strand (C>T on the coding strand, the complement: IQSEC2 is on the minus strand). VCF-style: chrX-53241891-G-A. GRCh37 (hg19) VCF-style: chrX-53271073-G-A.
Other names: c.2293C>T, p.Arg765Cys (NM_015075.2); short protein forms R970C, R765C.
Identifiers: ClinVar variation 971808 (VCV000971808.13), dbSNP rs2074227300, ClinGen allele CA413149688.

ClinVar aggregate classification (germline): Uncertain significance. Review status: criteria provided, multiple submitters, no conflicts (2 of 4 stars). 2 submissions from 2 submitters: Uncertain significance (2). Last evaluated 2023-11-30.

Conditions:
Intellectual developmental disorder, X-linked 1. Also called: Atkin Flaitz Patil Smith syndrome; MENTAL RETARDATION, X-LINKED 18; MENTAL RETARDATION, X-LINKED 78; Intellectual disability, X-linked 1. Identifiers: Orphanet 777, MedGen C2931498, MONDO:0010656, OMIM 309530.

Submissions (2):

GeneDx
Classification: Uncertain significance. Last evaluated: 2023-11-30. Review status: criteria provided, single submitter. Criteria: GeneDx Variant Classification Process June 2021. Collection method: clinical testing. Allele origin: germline. Affected: yes.
Comment: Not observed at significant frequency in large population cohorts (gnomAD); In silico analysis supports that this missense variant has a deleterious effect on protein structure/function; Has not been previously published as pathogenic or benign to our knowledge; This variant is associated with the following publications: (PMID: 20473311)

Labcorp Genetics (formerly Invitae), Labcorp
Classification: Uncertain significance for Intellectual developmental disorder, X-linked 1. Last evaluated: 2022-09-27. Review status: criteria provided, single submitter. Criteria: Invitae Variant Classification Sherloc (09022015). Collection method: clinical testing. Allele origin: germline.
Comment: In summary, the available evidence is currently insufficient to determine the role of this variant in disease. Therefore, it has been classified as a Variant of Uncertain Significance. Advanced modeling of protein sequence and biophysical properties (such as structural, functional, and spatial information, amino acid conservation, physicochemical variation, residue mobility, and thermodynamic stability) performed at Invitae indicates that this missense variant is expected to disrupt IQSEC2 protein function. ClinVar contains an entry for this variant (Variation ID: 971808). This variant has not been reported in the literature in individuals affected with IQSEC2-related conditions. This variant is not present in population databases (gnomAD no frequency). This sequence change replaces arginine, which is basic and polar, with cysteine, which is neutral and slightly polar, at codon 970 of the IQSEC2 protein (p.Arg970Cys).